The following is an entry in ClinVar:

NM_017777.4(MKS1):c.213C>G (p.Asp71Glu)

Gene: MKS1 (MKS transition zone complex subunit 1; minus strand). Cytogenetic location: 17q22.
Variant type: single nucleotide variant.
Coding change: c.213C>G on transcript NM_017777.4 (MANE Select); coding-DNA position 213, C replaced by G.
Protein change: p.Asp71Glu; replaces aspartic acid 71 with glutamic acid.
Molecular consequence: missense variant. On other transcripts: 5 prime UTR variant (1).
Genome position (GRCh38, 1-based): chr17:58,216,714, G>C on the plus strand (C>G on the coding strand, the complement: MKS1 is on the minus strand). VCF-style: chr17-58216714-G-C. GRCh37 (hg19) VCF-style: chr17-56294075-G-C.
Other names: p.Asp71Glu; c.-299C>G (NM_001321268.2); c.213C>G, p.Asp71Glu (NM_001321269.2, NM_001330397.2); short protein forms D71E.
Identifiers: ClinVar variation 196477 (VCV000196477.64), dbSNP rs142813109, ClinGen allele CA346867.
Genomic context (GRCh38, chr17:58,216,714, plus strand): 5'-ACACTGGCTCACCTGGCTAAAGAGCTTCTCCTGCCACCCAATCACAATCTCCTCCTCTTC[G>C]TCTTCCTCTGGGCGGTGTCCACCTCCAAAGACAACAGAGTGAATCAAATGCTTGAGCCAA-3'
Protein context (NP_060247.2, residues 61-81): PTASGHRPEE[Asp71Glu]EEEEIVIGWQ

ClinVar aggregate classification (germline): Conflicting classifications of pathogenicity. Review status: criteria provided, conflicting classifications (1 of 4 stars). 17 submissions from 16 submitters: Uncertain significance (2); Benign (2); Likely benign (7). 6 of the submissions do not count toward it. Last evaluated 2026-09-01.

Conditions:
MKS1-related disorder. Also called: MKS1-related condition; MKS1-related disorders. Identifiers: MedGen CN239382.
Joubert syndrome. Also called: JOUBERT-BOLTSHAUSER SYNDROME; Familial aplasia of the vermis. Identifiers: Orphanet 475, MedGen C5979921, MONDO:0018772.
Meckel-Gruber syndrome. Also called: DYSENCEPHALIA SPLANCHNOCYSTICA; GRUBER SYNDROME; Dysencephalia splachnocystica. Identifiers: Orphanet 564, MedGen C0265215, MONDO:0018921.
Meckel syndrome, type 1 (MKS1). Also called: MECKEL-GRUBER SYNDROME, TYPE 1. Identifiers: Orphanet 564, MedGen C3714506, MONDO:0009571, OMIM 249000.
Bardet-Biedl syndrome 13 (BBS13). Identifiers: Orphanet 110, MedGen C2673873, MONDO:0014441, OMIM 615990.

Allele frequency attached by ClinVar (database versions not stated): 1000 Genomes Project 30x 0.00156; 1000 Genomes Project 0.00160; gnomAD 0.00303; ExAC 0.00331; TOPMed 0.00348; ESP Exome Variant Server 0.00457.
gnomAD v4.1: 8,308 of 1,614,110 alleles (0.51%); highest among the groups gnomAD compares: Non-Finnish European, 0.65%; 28 homozygotes.

Submissions (17):

CeGaT Center for Human Genetics Tuebingen
Classification: Likely benign. Last evaluated: 2026-09-01. Review status: criteria provided, single submitter. Criteria: CeGaT Center For Human Genetics Tuebingen Variant Classification Criteria Version 2. Collection method: clinical testing. Allele origin: germline. Affected: yes. Observed: 18 variant alleles.
Comment: MKS1: BP4, BS2

Labcorp Genetics (formerly Invitae), Labcorp
Classification: Benign for Joubert syndrome; Meckel-Gruber syndrome. Last evaluated: 2026-02-04. Review status: criteria provided, single submitter. Criteria: Invitae Variant Classification Sherloc (09022015). Collection method: clinical testing. Allele origin: germline.

Mayo Clinic Laboratories, Mayo Clinic
Classification: Benign. Last evaluated: 2025-05-16. Review status: criteria provided, single submitter. Criteria: ACMG Guidelines, 2015. Collection method: clinical testing. Allele origin: germline. Observed: 3 variant alleles.
Comment: BS1, BS2, BP4_moderate

Blueprint Genetics
Classification: Likely benign. Last evaluated: 2024-11-27. Review status: criteria provided, single submitter. Criteria: ACMG Guidelines, 2015. Collection method: clinical testing. Allele origin: germline.

GeneDx
Classification: Likely benign. Last evaluated: 2020-06-25. Review status: criteria provided, single submitter. Criteria: GeneDx Variant Classification Process June 2021. Collection method: clinical testing. Allele origin: germline. Affected: yes.

Illumina Laboratory Services, Illumina
Classification: Likely benign for Bardet-Biedl syndrome 13. Last evaluated: 2018-01-12. Review status: criteria provided, single submitter. Criteria: ICSL Variant Classification Criteria 13 December 2019. Collection method: clinical testing. Allele origin: germline.
Comment: This variant was observed in the ICSL laboratory as part of a predisposition screen in an ostensibly healthy population. It had not been previously curated by ICSL or reported in the Human Gene Mutation Database (HGMD: prior to June 1st, 2018), and was therefore a candidate for classification through an automated scoring system. Utilizing variant allele frequency, disease prevalence and penetrance estimates, and inheritance mode, an automated score was calculated to assess if this variant is too frequent to cause the disease. Based on the score and internal cut-off values, a variant classified as likely benign is not then subjected to further curation. The score for this variant resulted in a classification of likely benign for this disease.

Illumina Laboratory Services, Illumina
Classification: Uncertain significance for Meckel syndrome, type 1. Last evaluated: 2018-01-12. Review status: criteria provided, single submitter. Criteria: ICSL Variant Classification Criteria 13 December 2019. Collection method: clinical testing. Allele origin: germline.

Genetic Services Laboratory, University of Chicago
Classification: Likely benign. Last evaluated: 2017-03-13. Review status: criteria provided, single submitter. Criteria: ACMG Guidelines, 2015. Collection method: clinical testing. Allele origin: germline. Affected: no.

Center for Pediatric Genomic Medicine, Children's Mercy Hospital and Clinics
Classification: Likely benign. Last evaluated: 2017-03-09. Review status: criteria provided, single submitter. Criteria: ACMG Guidelines, 2015. Collection method: clinical testing. Allele origin: germline.

Eurofins Ntd Llc (ga)
Classification: Likely benign. Last evaluated: 2015-03-11. Review status: criteria provided, single submitter. Criteria: EGL Classification Definitions 2015. Collection method: clinical testing. Allele origin: germline. Observed: 1 variant allele, 1 heterozygote.

Molecular Endocrinology Laboratory, Christian Medical College
Classification: Uncertain significance for Bardet-Biedl syndrome 13. Review status: criteria provided, single submitter. Criteria: ACMG Guidelines, 2015. Collection method: clinical testing. Allele origin: germline. Affected: yes.

PreventionGenetics, part of Exact Sciences
Classification: Benign for MKS1-related condition. Last evaluated: 2021-08-10. Review status: no assertion criteria provided. Collection method: clinical testing. Allele origin: germline. Not counted in ClinVar's aggregate classification.
Comment: This variant is classified as benign based on ACMG/AMP sequence variant interpretation guidelines (Richards et al. 2015 PMID: 25741868, with internal and published modifications).

Natera, Inc.
Classification: Benign for Meckel syndrome type 1. Last evaluated: 2019-10-21. Review status: no assertion criteria provided. Collection method: clinical testing. Allele origin: germline. Not counted in ClinVar's aggregate classification.

Clinical Genetics DNA and cytogenetics Diagnostics Lab, Erasmus MC, Erasmus Medical Center
Classification: Likely benign. Review status: no assertion criteria provided. Collection method: clinical testing. Allele origin: germline. Affected: yes. Study: VKGL Data-share Consensus. Not counted in ClinVar's aggregate classification.

Clinical Genetics, Academic Medical Center
Classification: Likely benign. Review status: no assertion criteria provided. Collection method: clinical testing. Allele origin: germline. Affected: yes. Study: VKGL Data-share Consensus. Not counted in ClinVar's aggregate classification.

Genome Diagnostics Laboratory, University Medical Center Utrecht
Classification: Benign. Review status: no assertion criteria provided. Collection method: clinical testing. Allele origin: germline. Affected: yes. Study: VKGL Data-share Consensus. Not counted in ClinVar's aggregate classification.

Laboratory of Diagnostic Genome Analysis, Leiden University Medical Center (LUMC)
Classification: Likely benign. Review status: no assertion criteria provided. Collection method: clinical testing. Allele origin: germline. Affected: yes. Study: VKGL Data-share Consensus. Not counted in ClinVar's aggregate classification.